The following is an entry in ClinVar:

ClinVar aggregate classification (germline): Uncertain significance (1 of 4 stars; one submission).

Conditions:
Hypertrophic cardiomyopathy. Also called: HYPERTROPHIC MYOCARDIOPATHY. Identifiers: Orphanet 217569, MedGen C0007194, MeSH D002312, MONDO:0005045, HP:0001639.

Submission:

Labcorp Genetics (formerly Invitae), Labcorp
Classification: Uncertain significance for Hypertrophic cardiomyopathy. Last evaluated: 2024-08-28. Review status: criteria provided, single submitter. Criteria: Invitae Variant Classification Sherloc (09022015). Collection method: clinical testing. Allele origin: germline.
Comment: This sequence change creates a premature translational stop signal (p.Ile1459Asnfs*33) in the MYOM1 gene. It is expected to result in an absent or disrupted protein product. However, the current clinical and genetic evidence is not sufficient to establish whether loss-of-function variants in MYOM1 cause disease. This variant is not present in population databases (gnomAD no frequency). This variant has not been reported in the literature in individuals affected with MYOM1-related conditions. In summary, the available evidence is currently insufficient to determine the role of this variant in disease. Therefore, it has been classified as a Variant of Uncertain Significance.

NM_003803.4(MYOM1):c.4375dup (p.Ile1459fs)

Gene: MYOM1 (myomesin 1; minus strand). Cytogenetic location: 18p11.31.
Variant type: Duplication.
Coding change: c.4375dup on transcript NM_003803.4 (MANE Select); coding-DNA position 4375, one base duplicated (A; older notation c.4375dupA).
Protein change: p.Ile1459fs; shifts the reading frame from isoleucine 1459.
Molecular consequence: frameshift variant.
Genome position (GRCh38, 1-based): chr18:3,083,992, T duplicated on the plus strand (A on the coding strand, the reverse complement: MYOM1 is on the minus strand); the first of 7 consecutive T bases (chr18:3,083,992-3,083,998); duplicating any one gives the same sequence. VCF-style (leftmost placement, unchanged base first): chr18-3083991-A-AT. GRCh37 (hg19) VCF-style: chr18-3083989-A-AT.
Other names: c.4087dup, p.Ile1363fs (NM_019856.2); short protein forms I1459fs, I1363fs.
Identifiers: ClinVar variation 3719946 (VCV003719946.2).